The following is an entry in ClinVar:

ClinVar aggregate classification (germline): Pathogenic (1 of 4 stars; one submission).

Submission:

Labcorp Genetics (formerly Invitae), Labcorp
Classification: Pathogenic. Last evaluated: 2025-01-23. Review status: criteria provided, single submitter. Criteria: Invitae Variant Classification Sherloc (09022015). Collection method: clinical testing. Allele origin: germline.
Comment: This sequence change creates a premature translational stop signal (p.Trp1052*) in the TECTA gene. It is expected to result in an absent or disrupted protein product. Loss-of-function variants in TECTA are known to be pathogenic (PMID: 11087000, 12746400, 17431902, 24130743). This variant is not present in population databases (gnomAD no frequency). This variant has not been reported in the literature in individuals affected with TECTA-related conditions. For these reasons, this variant has been classified as Pathogenic.

Literature cited by the submitters: PubMed 11087000; PubMed 12746400; PubMed 17431902; PubMed 24130743.

NM_005422.4(TECTA):c.3155G>A (p.Trp1052Ter)

Genes: TBCEL-TECTA (TBCEL-TECTA readthrough; plus strand), TECTA (tectorin alpha; plus strand). Cytogenetic location: 11q23.3.
Variant type: single nucleotide variant.
Coding change: c.3155G>A on transcript NM_005422.4 (MANE Select); coding-DNA position 3155, G replaced by A.
Protein change: p.Trp1052Ter; replaces tryptophan 1052 with a stop codon.
Molecular consequence: nonsense.
Genome position (GRCh38, 1-based): chr11:121,137,634, G>A. VCF-style: chr11-121137634-G-A. GRCh37 (hg19) VCF-style: chr11-121008343-G-A.
Other names: c.4112G>A, p.Trp1371Ter (NM_001378761.1); short protein forms W1052*, W1371*.
Identifiers: ClinVar variation 3631797 (VCV003631797.2).
Genomic context (GRCh38, chr11:121,137,634, plus strand): 5'-CGCGGAGTGAGTGTGGCTGCAACTTTGAGGGGCACCAACTTGCCACCAATGAGACCTTCT[G>A]GGTGGACCTGGACTGCCAGATCTTCTGCTATTGCAGTGGCACAGACAACAGGGTCCACTG-3'